The following is an entry in ClinVar:

NM_015213.4(DENND5A):c.1710C>G (p.Pro570=)

Gene: DENND5A (DENN domain containing 5A; minus strand). Cytogenetic location: 11p15.4.
Variant type: single nucleotide variant.
Coding change: c.1710C>G on transcript NM_015213.4 (MANE Select); coding-DNA position 1710, C replaced by G.
Protein change: p.Pro570=; no amino-acid change (proline 570 retained).
Molecular consequence: synonymous variant. On other transcripts: non-coding transcript variant (1).
Genome position (GRCh38, 1-based): chr11:9,178,328, G>C on the plus strand (C>G on the coding strand, the complement: DENND5A is on the minus strand). VCF-style: chr11-9178328-G-C. GRCh37 (hg19) VCF-style: chr11-9199875-G-C.
Other names: c.1710C>G, p.Pro570= (NM_001243254.2); c.1638C>G, p.Pro546= (NM_001348749.2); c.1422C>G, p.Pro474= (NM_001348750.2).
Identifiers: ClinVar variation 5039842 (VCV005039842.1).
Genomic context (GRCh38, chr11:9,178,328, plus strand): 5'-CATTATTTTGTTGTCAATGAAAGATGCAAACATCTGGGTCTCCAGGAATCTTGAGAGGAA[G>C]GGCAGGTAGGGCTCAGGCTGATCTGACAGAAAAGATGCCTGGTGGGACCAAAAAGAAGCA-3'
Protein context (NP_056028.2, residues 560-580): FLSDQPEPYL[Pro570=]FLSRFLETQM

ClinVar aggregate classification (germline): Likely benign (1 of 4 stars; one submission).

Submission:

CeGaT Center for Human Genetics Tuebingen
Classification: Likely benign. Last evaluated: 2026-08-01. Review status: criteria provided, single submitter. Criteria: CeGaT Center For Human Genetics Tuebingen Variant Classification Criteria Version 2. Collection method: clinical testing. Allele origin: germline. Affected: yes. Observed: 1 variant allele.
Comment: DENND5A: PM2:Supporting, BP4, BP7